The following is an entry in ClinVar:

NM_004360.5(CDH1):c.*410A>T

Gene: CDH1 (cadherin 1; plus strand). Cytogenetic location: 16q22.1.
Variant type: single nucleotide variant.
Coding change: c.*410A>T on transcript NM_004360.5 (MANE Select); 410 bases downstream of the stop codon, A replaced by T.
Molecular consequence: 3 prime UTR variant.
Genome position (GRCh38, 1-based): chr16:68,833,909, A>T. VCF-style: chr16-68833909-A-T. GRCh37 (hg19) VCF-style: chr16-68867812-A-T.
Other names: c.*410A>T (LRG_301t1, NM_001317184.2, NM_001317185.2 and 1 more transcripts).
Identifiers: ClinVar variation 320277 (VCV000320277.8), dbSNP rs33956133, ClinGen allele CA10644113.
Genomic context (GRCh38, chr16:68,833,909, plus strand): 5'-TTAAAAAGAAGGGGAGAAGTCAGCTACTCTAGTTCTGTTGTTTTGTGTATATAATTTTTT[A>T]AAAAAAATTTGTGTGCTTCTGCTCATTACTACACTGGTGTGTCCCTCTGCCTTTTTTTTT-3'

ClinVar aggregate classification (germline): Benign. Review status: reviewed by expert panel (3 of 4 stars). 2 submissions from 2 submitters: Benign (1). 1 of the submissions does not count toward it. Last evaluated 2023-08-10.

Conditions:
CDH1-related diffuse gastric and lobular breast cancer syndrome. Also called: CDH1-related diffuse gastric and lobular breast cancer. Identifiers: MedGen CN311521, MONDO:0100488.
Hereditary diffuse gastric adenocarcinoma (HDGC). Also called: DIFFUSE GASTRIC AND LOBULAR BREAST CANCER SYNDROME. Identifiers: Orphanet 26106, MedGen C1708349, MONDO:0007648, OMIM 137215.

Allele frequency attached by ClinVar (database versions not stated): gnomAD exomes 0.00288; 1000 Genomes Project 0.01597; gnomAD 0.01602 and 0.01714; TOPMed 0.01785; 1000 Genomes Project 30x 0.01843.
gnomAD v4.1: 2,987 of 334,286 alleles (0.89%); highest among the groups gnomAD compares: African/African-American, 5.1%; 64 homozygotes.

Submissions (2):

Clingen Gastric Cancer Variant Curation Expert Panel
Classification: Benign for CDH1-related diffuse gastric and lobular breast cancer syndrome. Last evaluated: 2023-08-10. Review status: reviewed by expert panel. Criteria: ClinGen CDH1 ACMG Specifications V3.1. Collection method: curation. Allele origin: germline. Inheritance: Autosomal dominant inheritance.
Comment: The NM_004360.5(CDH1):c.*410A>T variant has an allele frequency of 0.05129 (5.129%, 443/8638 alleles, 10 homozygotes) in the African subpopulation of the gnomAD v2.1.1 cohort (BA1; BP2). Therefore, this variant meets criteria to be classified as benign. ACMG/AMP criteria applied, as specified by the CDH1 Variant Curation Expert Panel (Variant Interpretation Guidelines Version 3.1): BA1, BP2.

Illumina Laboratory Services, Illumina
Classification: Benign for Hereditary diffuse gastric adenocarcinoma. Last evaluated: 2018-01-12. Review status: criteria provided, single submitter. Criteria: ICSL Variant Classification Criteria 13 December 2019. Collection method: clinical testing. Allele origin: germline. Not counted in ClinVar's aggregate classification.
Comment: This variant was observed in the ICSL laboratory as part of a predisposition screen in an ostensibly healthy population. It had not been previously curated by ICSL or reported in the Human Gene Mutation Database (HGMD: prior to June 1st, 2018), and was therefore a candidate for classification through an automated scoring system. Utilizing variant allele frequency, disease prevalence and penetrance estimates, and inheritance mode, an automated score was calculated to assess if this variant is too frequent to cause the disease. Based on the score and internal cut-off values, a variant classified as benign is not then subjected to further curation. The score for this variant resulted in a classification of benign for this disease.